The following is an entry in ClinVar:

ClinVar aggregate classification (germline): Uncertain significance (1 of 4 stars; one submission).

Conditions:
Epidermolysis bullosa simplex with nail dystrophy (EBS5D). Identifiers: MedGen C4225309, MONDO:0014661, OMIM 616487.
Epidermolysis bullosa simplex, Ogna type (EBS5A). Also called: Pidermolysis bullosa simplex 5A, Ogna type; EPIDERMOLYSIS BULLOSA SIMPLEX 5A, OGNA TYPE. Identifiers: Orphanet 79401, MedGen C0432317, MONDO:0007555, OMIM 131950.
Autosomal recessive limb-girdle muscular dystrophy type 2Q (LGMDR17). Also called: MUSCULAR DYSTROPHY, LIMB-GIRDLE, AUTOSOMAL RECESSIVE 17. Identifiers: Orphanet 254361, MedGen C3150989, MONDO:0013390, OMIM 613723.
Epidermolysis bullosa simplex 5B, with muscular dystrophy (EBS5B). Also called: EPIDERMOLYSIS BULLOSA SIMPLEX AND LIMB-GIRDLE MUSCULAR DYSTROPHY; Epidermolysis bullosa simplex with muscular dystrophy. Identifiers: Orphanet 257, MedGen C2931072, MONDO:0009181, OMIM 226670.
Epidermolysis bullosa simplex 5C, with pyloric atresia (EBS5C). Also called: PLEC-Related Epidermolysis Bullosa with Pyloric Atresia; Epidermolysis bullosa simplex with pyloric atresia; PLEC1-Related Epidermolysis Bullosa with Pyloric Atresia. Identifiers: Orphanet 158684, MedGen C2677349, MONDO:0012807, OMIM 612138.

Submission:

Labcorp Genetics (formerly Invitae), Labcorp
Classification: Uncertain significance for Autosomal recessive limb-girdle muscular dystrophy type 2Q; Epidermolysis bullosa simplex, Ogna type; Epidermolysis bullosa simplex with nail dystrophy; Epidermolysis bullosa simplex 5C, with pyloric atresia; Epidermolysis bullosa simplex 5B, with muscular dystrophy. Last evaluated: 2024-03-25. Review status: criteria provided, single submitter. Criteria: Invitae Variant Classification Sherloc (09022015). Collection method: clinical testing. Allele origin: germline.
Comment: This sequence change replaces glycine, which is neutral and non-polar, with arginine, which is basic and polar, at codon 4335 of the PLEC protein (p.Gly4335Arg). This variant is not present in population databases (gnomAD no frequency). This variant has not been reported in the literature in individuals affected with PLEC-related conditions. Advanced modeling of protein sequence and biophysical properties (such as structural, functional, and spatial information, amino acid conservation, physicochemical variation, residue mobility, and thermodynamic stability) performed at Invitae indicates that this missense variant is not expected to disrupt PLEC protein function with a negative predictive value of 80%. In summary, the available evidence is currently insufficient to determine the role of this variant in disease. Therefore, it has been classified as a Variant of Uncertain Significance.

NM_201384.3(PLEC):c.12922G>A (p.Gly4308Arg)

Gene: PLEC (plectin; minus strand). Cytogenetic location: 8q24.3.
Variant type: single nucleotide variant.
Coding change: c.12922G>A on transcript NM_201384.3 (MANE Select); coding-DNA position 12922, G replaced by A.
Protein change: p.Gly4308Arg; replaces glycine 4308 with arginine.
Molecular consequence: missense variant.
Genome position (GRCh38, 1-based): chr8:143,916,899, C>T on the plus strand (G>A on the coding strand, the complement: PLEC is on the minus strand). VCF-style: chr8-143916899-C-T. GRCh37 (hg19) VCF-style: chr8-144991067-C-T.
Other names: c.13003G>A, p.Gly4335Arg (NM_000445.5); c.9622G>A, p.Gly3208Arg (NM_001410941.1); c.12880G>A, p.Gly4294Arg (NM_201378.4); c.12856G>A, p.Gly4286Arg (NM_201379.3); c.13333G>A, p.Gly4445Arg (NM_201380.4); c.12826G>A, p.Gly4276Arg (NM_201381.3); c.12922G>A, p.Gly4308Arg (NM_201382.4); c.12934G>A, p.Gly4312Arg (NM_201383.3); short protein forms G3208R, G4276R, G4286R, G4294R, G4308R, G4312R, G4335R, G4445R.
Identifiers: ClinVar variation 3754656 (VCV003754656.2).
Genomic context (GRCh38, chr8:143,916,899, plus strand): 5'-CACCGGTGCTGGGGTCGATGATGCCCCCGGTGCAGGCCTGCGCCTCCAGCAGCCGCTGCC[C>T]CGTGATGTTATCCACCAGGTTCCGGTGCATGGCCTCGGTGATGGACACCTTCTCCAGCGT-3'
Protein context (NP_958786.1, residues 4298-4318): MHRNLVDNIT[Gly4308Arg]QRLLEAQACT